The following is an entry in ClinVar:

NM_000094.4(COL7A1):c.4606C>G (p.Pro1536Ala)

Gene: COL7A1 (collagen type VII alpha 1 chain; minus strand). Cytogenetic location: 3p21.31.
Variant type: single nucleotide variant.
Coding change: c.4606C>G on transcript NM_000094.4 (MANE Select); coding-DNA position 4606, C replaced by G.
Protein change: p.Pro1536Ala; replaces proline 1536 with alanine.
Molecular consequence: missense variant.
Genome position (GRCh38, 1-based): chr3:48,582,352, G>C on the plus strand (C>G on the coding strand, the complement: COL7A1 is on the minus strand). VCF-style: chr3-48582352-G-C. GRCh37 (hg19) VCF-style: chr3-48619785-G-C.
Other names: short protein forms P1536A.
Identifiers: ClinVar variation 3622794 (VCV003622794.2).

ClinVar aggregate classification (germline): Uncertain significance (1 of 4 stars; one submission).

Submission:

Labcorp Genetics (formerly Invitae), Labcorp
Classification: Uncertain significance. Last evaluated: 2024-12-26. Review status: criteria provided, single submitter. Criteria: Invitae Variant Classification Sherloc (09022015). Collection method: clinical testing. Allele origin: germline.
Comment: This sequence change replaces proline, which is neutral and non-polar, with alanine, which is neutral and non-polar, at codon 1536 of the COL7A1 protein (p.Pro1536Ala). This variant is not present in population databases (gnomAD no frequency). This variant has not been reported in the literature in individuals affected with COL7A1-related conditions. Invitae Evidence Modeling of protein sequence and biophysical properties (such as structural, functional, and spatial information, amino acid conservation, physicochemical variation, residue mobility, and thermodynamic stability) indicates that this missense variant is not expected to disrupt COL7A1 protein function with a negative predictive value of 95%. In summary, the available evidence is currently insufficient to determine the role of this variant in disease. Therefore, it has been classified as a Variant of Uncertain Significance.